The following is an entry in ClinVar:

ClinVar aggregate classification (germline): Uncertain significance (1 of 4 stars; one submission).

Conditions:
Orthostatic hypotension 1 (ORTHYP1). Also called: Dopamine beta-hydroxylase deficiency; NORADRENALINE DEFICIENCY; NOREPINEPHRINE DEFICIENCY; Orthostatic hypotension 1, due to DBH deficiency. Identifiers: Orphanet 230, MedGen C4746777, MONDO:0009123, OMIM 223360.

Submission:

Labcorp Genetics (formerly Invitae), Labcorp
Classification: Uncertain significance for Orthostatic hypotension 1. Last evaluated: 2022-06-17. Review status: criteria provided, single submitter. Criteria: Invitae Variant Classification Sherloc (09022015). Collection method: clinical testing. Allele origin: germline.
Comment: Algorithms developed to predict the effect of missense changes on protein structure and function are either unavailable or do not agree on the potential impact of this missense change (SIFT: "Tolerated"; PolyPhen-2: "Probably Damaging"; Align-GVGD: "Class C0"). This sequence change replaces valine, which is neutral and non-polar, with leucine, which is neutral and non-polar, at codon 454 of the DBH protein (p.Val454Leu). This variant is not present in population databases (gnomAD no frequency). This variant has not been reported in the literature in individuals affected with DBH-related conditions. In summary, the available evidence is currently insufficient to determine the role of this variant in disease. Therefore, it has been classified as a Variant of Uncertain Significance.

NM_000787.4(DBH):c.1360G>C (p.Val454Leu)

Gene: DBH (dopamine beta-hydroxylase; plus strand). Cytogenetic location: 9q34.2.
Variant type: single nucleotide variant.
Coding change: c.1360G>C on transcript NM_000787.4 (MANE Select); coding-DNA position 1360, G replaced by C.
Protein change: p.Val454Leu; replaces valine 454 with leucine.
Molecular consequence: missense variant.
Genome position (GRCh38, 1-based): chr9:133,652,270, G>C. VCF-style: chr9-133652270-G-C. GRCh37 (hg19) VCF-style: chr9-136517392-G-C.
Other names: short protein forms V454L.
Identifiers: ClinVar variation 2192709 (VCV002192709.4), dbSNP rs374691514, ClinGen allele CA375419501.